The following is an entry in ClinVar:

ClinVar aggregate classification (germline): Uncertain significance. Review status: criteria provided, multiple submitters, no conflicts (2 of 4 stars). 2 submissions from 2 submitters: Uncertain significance (2). Last evaluated 2022-09-01.

Conditions:
Inborn genetic diseases. Identifiers: MedGen C0950123, MeSH D030342.

Allele frequency attached by ClinVar (database versions not stated): ExAC 0.00004; gnomAD exomes 0.00004; gnomAD 0.00006 and 0.00007; TOPMed 0.00006; ESP Exome Variant Server 0.00008.
gnomAD v4.1: 38 of 1,612,388 alleles (0.0024%); highest among the groups gnomAD compares: African/African-American, 0.023%; no homozygotes.

Submissions (2):

Labcorp Genetics (formerly Invitae), Labcorp
Classification: Uncertain significance. Last evaluated: 2022-09-01. Review status: criteria provided, single submitter. Criteria: Invitae Variant Classification Sherloc (09022015). Collection method: clinical testing. Allele origin: germline.
Comment: This sequence change replaces proline, which is neutral and non-polar, with leucine, which is neutral and non-polar, at codon 484 of the TUBGCP6 protein (p.Pro484Leu). This variant is present in population databases (rs147922469, gnomAD 0.02%). This variant has not been reported in the literature in individuals affected with TUBGCP6-related conditions. ClinVar contains an entry for this variant (Variation ID: 1039040). Algorithms developed to predict the effect of missense changes on protein structure and function output the following: SIFT: "Tolerated"; PolyPhen-2: "Benign"; Align-GVGD: "Class C0". The leucine amino acid residue is found in multiple mammalian species, which suggests that this missense change does not adversely affect protein function. In summary, the available evidence is currently insufficient to determine the role of this variant in disease. Therefore, it has been classified as a Variant of Uncertain Significance.

Ambry Genetics
Classification: Uncertain significance for Inborn genetic diseases. Last evaluated: 2022-08-30. Review status: criteria provided, single submitter. Criteria: Ambry Variant Classification Scheme 2023. Collection method: clinical testing. Allele origin: germline.

NM_020461.4(TUBGCP6):c.1451C>T (p.Pro484Leu)

Gene: TUBGCP6 (tubulin gamma complex component 6; minus strand). Cytogenetic location: 22q13.33.
Variant type: single nucleotide variant.
Coding change: c.1451C>T on transcript NM_020461.4 (MANE Select); coding-DNA position 1451, C replaced by T.
Protein change: p.Pro484Leu; replaces proline 484 with leucine.
Molecular consequence: missense variant.
Genome position (GRCh38, 1-based): chr22:50,227,039, G>A on the plus strand (C>T on the coding strand, the complement: TUBGCP6 is on the minus strand). VCF-style: chr22-50227039-G-A. GRCh37 (hg19) VCF-style: chr22-50665468-G-A.
Other names: c.1451C>T (NM_020461.3); short protein forms P484L.
Identifiers: ClinVar variation 1039040 (VCV001039040.6), dbSNP rs147922469, ClinGen allele CA10308679.